The following is an entry in ClinVar:

ClinVar aggregate classification (germline): Pathogenic (1 of 4 stars; one submission).

Conditions:
3MC syndrome 1. Also called: MICHELS SYNDROME; CRANIOSYNOSTOSIS WITH LID ANOMALIES; OCULOPALATOSKELETAL SYNDROME. Identifiers: Orphanet 293843, MedGen C0796059, MONDO:0009770, OMIM 257920.

Submission:

Labcorp Genetics (formerly Invitae), Labcorp
Classification: Pathogenic for 3MC syndrome 1. Last evaluated: 2018-11-27. Review status: criteria provided, single submitter. Criteria: Invitae Variant Classification Sherloc (09022015). Collection method: clinical testing. Allele origin: germline.
Comment: For these reasons, this variant has been classified as Pathogenic. This variant disrupts the C-terminus of the MASP1 protein. Other variant(s) that disrupt this region (p.Arg637Cysfs*1) have been determined to be likely pathogenic (PMID:¬†29407414). This suggests that variants that disrupt this region of the protein are likely to be causative of disease. This variant has not been reported in the literature in individuals with MASP1-related conditions. This variant is a gross deletion of the genomic region encompassing exons 5-11 of the MASP1 gene. The 5' boundary is likely confined to intron 4. The 3' end of this event is unknown as it extends through the termination codon beyond the assayed region for this gene and may encompass additional genes. While this deletion is not anticipated to result in nonsense mediated decay, it is expected to create a truncated protein product or disrupt mRNA translation.

NC_000003.12:g.(?_187235664)_(187256880_?)del

Gene: MASP1 (MBL associated serine protease 1; minus strand). Cytogenetic location: 3q27.3.
Variant type: Deletion.
Identifiers: ClinVar variation 650705 (VCV000650705.7).